The following is an entry in ClinVar:

ClinVar aggregate classification (germline): Pathogenic (1 of 4 stars; one submission).

Submission:

Labcorp Genetics (formerly Invitae), Labcorp
Classification: Pathogenic. Last evaluated: 2023-12-18. Review status: criteria provided, single submitter. Criteria: Invitae Variant Classification Sherloc (09022015). Collection method: clinical testing. Allele origin: germline.
Comment: This sequence change creates a premature translational stop signal (p.Val240Argfs*7) in the STX3 gene. It is expected to result in an absent or disrupted protein product. Loss-of-function variants in STX3 are known to be pathogenic (PMID: 24726755). This variant is not present in population databases (gnomAD no frequency). This variant has not been reported in the literature in individuals affected with STX3-related conditions. Algorithms developed to predict the effect of sequence changes on RNA splicing suggest that this variant may disrupt the consensus splice site. For these reasons, this variant has been classified as Pathogenic.

Literature cited by the submitters: PubMed 24726755.

NM_004177.5(STX3):c.718_725del (p.Val240fs)

Gene: STX3 (syntaxin 3; plus strand). Cytogenetic location: 11q12.1.
Variant type: Deletion.
Coding change: c.718_725del on transcript NM_004177.5 (MANE Select); coding-DNA positions 718 to 725, 8 bases deleted (GTGGACCA; older notation c.718_725delGTGGACCA).
Protein change: p.Val240fs; shifts the reading frame from valine 240.
Molecular consequence: frameshift variant.
Genome position (GRCh38, 1-based): chr11:59,795,414-59,795,421, GTGGACCA deleted; deleting any 8 consecutive bases within chr11:59,795,412-59,795,421 gives the same sequence; the c. name uses the placement nearest the transcript's 3' end. VCF-style (leftmost placement, unchanged base first): chr11-59795411-ACAGTGGAC-A. GRCh37 (hg19) VCF-style: chr11-59562884-ACAGTGGAC-A.
Other names: c.718_725delGTGGACCA, p.Val240Argfs (NM_001178040.3); short protein forms V240fs.
Identifiers: ClinVar variation 2703993 (VCV002703993.3), dbSNP rs2495577460, ClinGen allele CA2574833453.